The following is an entry in ClinVar:

ClinVar aggregate classification (germline): Uncertain significance (1 of 4 stars; one submission).

Allele frequency attached by ClinVar (database versions not stated): ExAC 0.00001; gnomAD 0.00001; TOPMed 0.00001.
gnomAD v4.1: 22 of 1,613,872 alleles (0.0014%); highest among the groups gnomAD compares: African/African-American, 0.0027%; no homozygotes.

Submission:

Labcorp Genetics (formerly Invitae), Labcorp
Classification: Uncertain significance. Last evaluated: 2024-09-15. Review status: criteria provided, single submitter. Criteria: Invitae Variant Classification Sherloc (09022015). Collection method: clinical testing. Allele origin: germline.
Comment: This sequence change replaces alanine, which is neutral and non-polar, with threonine, which is neutral and polar, at codon 638 of the COL4A2 protein (p.Ala638Thr). This variant is present in population databases (rs758260445, gnomAD 0.007%). This variant has not been reported in the literature in individuals affected with COL4A2-related conditions. ClinVar contains an entry for this variant (Variation ID: 1414611). Invitae Evidence Modeling of protein sequence and biophysical properties (such as structural, functional, and spatial information, amino acid conservation, physicochemical variation, residue mobility, and thermodynamic stability) indicates that this missense variant is not expected to disrupt COL4A2 protein function with a negative predictive value of 95%. In summary, the available evidence is currently insufficient to determine the role of this variant in disease. Therefore, it has been classified as a Variant of Uncertain Significance.

NM_001846.4(COL4A2):c.1912G>A (p.Ala638Thr)

Gene: COL4A2 (collagen type IV alpha 2 chain; plus strand). Cytogenetic location: 13q34.
Variant type: single nucleotide variant.
Coding change: c.1912G>A on transcript NM_001846.4 (MANE Select); coding-DNA position 1912, G replaced by A.
Protein change: p.Ala638Thr; replaces alanine 638 with threonine.
Molecular consequence: missense variant.
Genome position (GRCh38, 1-based): chr13:110,465,540, G>A. VCF-style: chr13-110465540-G-A. GRCh37 (hg19) VCF-style: chr13-111117887-G-A.
Other names: short protein forms A638T.
Identifiers: ClinVar variation 1414611 (VCV001414611.8), dbSNP rs758260445, ClinGen allele CA7049746.